The following is an entry in ClinVar:

NM_032730.5(RTN4IP1):c.968_972dup (p.Gly325delinsLeuTer)

Gene: RTN4IP1 (reticulon 4 interacting protein 1; minus strand). Cytogenetic location: 6q21.
Variant type: Duplication.
Coding change: c.968_972dup on transcript NM_032730.5 (MANE Select); coding-DNA positions 968 to 972, 5 bases duplicated (CTGTA; older notation c.968_972dupCTGTA).
Protein change: p.Gly325delinsLeuTer.
Molecular consequence: nonsense.
Genome position (GRCh38, 1-based): chr6:106,587,697-106,587,701, TACAG duplicated on the plus strand (CTGTA on the coding strand, the reverse complement: RTN4IP1 is on the minus strand); duplicating any 5 consecutive bases within chr6:106,587,697-106,587,702 gives the same sequence; the c. name uses the placement nearest the transcript's 3' end. VCF-style (leftmost placement, unchanged base first): chr6-106587696-C-CTACAG. GRCh37 (hg19) VCF-style: chr6-107035571-C-CTACAG.
Other names: c.668_672dup, p.Gly225delinsLeuTer (NM_001318746.1).
Identifiers: ClinVar variation 2014205 (VCV002014205.4), dbSNP rs2482312971, ClinGen allele CA2580074704.

ClinVar aggregate classification (germline): Pathogenic (1 of 4 stars; one submission).

Submission:

Labcorp Genetics (formerly Invitae), Labcorp
Classification: Pathogenic. Last evaluated: 2022-07-05. Review status: criteria provided, single submitter. Criteria: Invitae Variant Classification Sherloc (09022015). Collection method: clinical testing. Allele origin: germline.
Comment: Algorithms developed to predict the effect of sequence changes on RNA splicing suggest that this variant may disrupt the consensus splice site. This variant has not been reported in the literature in individuals affected with RTN4IP1-related conditions. This variant is not present in population databases (gnomAD no frequency). This sequence change creates a premature translational stop signal (p.Gly325Leufs*2) in the RTN4IP1 gene. It is expected to result in an absent or disrupted protein product. Loss-of-function variants in RTN4IP1 are known to be pathogenic (PMID: 26593267). For these reasons, this variant has been classified as Pathogenic.

Literature cited by the submitters: PubMed 26593267.